The following is an entry in ClinVar:

NM_015112.3(MAST2):c.2135G>T (p.Gly712Val)

Gene: MAST2 (microtubule associated serine/threonine kinase 2; plus strand). Cytogenetic location: 1p34.1.
Variant type: single nucleotide variant.
Coding change: c.2135G>T on transcript NM_015112.3 (MANE Select); coding-DNA position 2135, G replaced by T.
Protein change: p.Gly712Val; replaces glycine 712 with valine.
Molecular consequence: missense variant.
Genome position (GRCh38, 1-based): chr1:46,028,850, G>T. VCF-style: chr1-46028850-G-T. GRCh37 (hg19) VCF-style: chr1-46494522-G-T.
Other names: c.2135G>T, p.Gly712Val (NM_001319245.2); c.2156G>T, p.Gly719Val (NM_001324320.2); c.1673G>T, p.Gly558Val (NM_001324321.2); short protein forms G558V, G712V, G719V.
Identifiers: ClinVar variation 3236578 (VCV003236578.1), dbSNP rs1424110975, ClinGen allele CA340159720.

ClinVar aggregate classification (germline): Uncertain significance (1 of 4 stars; one submission).

Submission:

Clinical Genomics Laboratory, Washington University in St. Louis
Classification: Uncertain significance. Last evaluated: 2023-11-14. Review status: criteria provided, single submitter. Criteria: ACMG Guidelines, 2015. Collection method: clinical testing. Allele origin: germline.
Comment: The MAST2 c.2135G>T (p.Gly712Val) variant, to our knowledge, has not been reported in the medical literature and is absent from the general population (gnomAD v.2.1.1), indicating it is not a common variant. This variant resides within the protein kinase domain, amino acids 512-785, of MAST2. Computational predictors indicate that the variant is damaging, evidence that correlates with impact to MAST2 function. Due to limited information, the clinical significance of this variant is uncertain.